The following is an entry in ClinVar:

ClinVar aggregate classification (germline): Uncertain significance (1 of 4 stars; one submission).

Conditions:
Congenital contractural arachnodactyly (CCA). Also called: Arthrogryposis, distal, type 9; BEALS SYNDROME; Beals-Hecht syndrome. Identifiers: Orphanet 115, MedGen C0220668, MONDO:0007363, OMIM 121050.

gnomAD v4.1: 2 of 1,585,710 alleles (0.00013%); highest among the groups gnomAD compares: Non-Finnish European, 0.00017%; no homozygotes.

Submission:

Labcorp Genetics (formerly Invitae), Labcorp
Classification: Uncertain significance for Congenital contractural arachnodactyly. Last evaluated: 2024-09-03. Review status: criteria provided, single submitter. Criteria: Invitae Variant Classification Sherloc (09022015). Collection method: clinical testing. Allele origin: germline.
Comment: This sequence change replaces proline, which is neutral and non-polar, with leucine, which is neutral and non-polar, at codon 37 of the FBN2 protein (p.Pro37Leu). This variant is not present in population databases (gnomAD no frequency). This variant has not been reported in the literature in individuals affected with FBN2-related conditions. Invitae Evidence Modeling of protein sequence and biophysical properties (such as structural, functional, and spatial information, amino acid conservation, physicochemical variation, residue mobility, and thermodynamic stability) indicates that this missense variant is not expected to disrupt FBN2 protein function with a negative predictive value of 95%. In summary, the available evidence is currently insufficient to determine the role of this variant in disease. Therefore, it has been classified as a Variant of Uncertain Significance.

NM_001999.4(FBN2):c.110C>T (p.Pro37Leu)

Gene: FBN2 (fibrillin 2; minus strand). Cytogenetic location: 5q23.3.
Variant type: single nucleotide variant.
Coding change: c.110C>T on transcript NM_001999.4 (MANE Select); coding-DNA position 110, C replaced by T.
Protein change: p.Pro37Leu; replaces proline 37 with leucine.
Molecular consequence: missense variant.
Genome position (GRCh38, 1-based): chr5:128,537,494, G>A on the plus strand (C>T on the coding strand, the complement: FBN2 is on the minus strand). VCF-style: chr5-128537494-G-A. GRCh37 (hg19) VCF-style: chr5-127873187-G-A.
Other names: short protein forms P37L.
Identifiers: ClinVar variation 3613067 (VCV003613067.2).